The following is an entry in ClinVar:

NM_024306.5(FA2H):c.659T>A (p.Met220Lys)

Gene: FA2H (fatty acid 2-hydroxylase; minus strand). Cytogenetic location: 16q23.1.
Variant type: single nucleotide variant.
Coding change: c.659T>A on transcript NM_024306.5 (MANE Select); coding-DNA position 659, T replaced by A.
Protein change: p.Met220Lys; replaces methionine 220 with lysine.
Molecular consequence: missense variant.
Genome position (GRCh38, 1-based): chr16:74,719,115, A>T on the plus strand (T>A on the coding strand, the complement: FA2H is on the minus strand). VCF-style: chr16-74719115-A-T. GRCh37 (hg19) VCF-style: chr16-74753013-A-T.
Other names: short protein forms M220K.
Identifiers: ClinVar variation 2627591 (VCV002627591.2), dbSNP rs2544316743, ClinGen allele CA396769633.
Genomic context (GRCh38, chr16:74,719,115, plus strand): 5'-ATGTGGAACAGGAAGCGGTGGATGAGGTACTCGATGAGGCTCCAGAGGAATGTCCCCAGC[A>T]TGAAGAGCCCGGGGAACATGGACTTGGGCACTGCCACCGTGTACTCTGCAGGGTGGCAGG-3'
Protein context (NP_077282.3, residues 210-230): VPKSMFPGLF[Met220Lys]LGTFLWSLIE

ClinVar aggregate classification (germline): Uncertain significance (1 of 4 stars; one submission).

Conditions:
Hereditary spastic paraplegia 35. Also called: Spastic paraplegia 35; SPASTIC PARAPLEGIA 35, AUTOSOMAL RECESSIVE, WITH OR WITHOUT NEURODEGENERATION; LEUKODYSTROPHY, DYSMYELINATING, AND SPASTIC PARAPARESIS WITH OR WITHOUT DYSTONIA; Spastic paraplegia 35, autosomal recessive. Identifiers: Orphanet 171629, MedGen C3496228, MONDO:0012866, OMIM 612319.

Allele frequency attached by ClinVar (database versions not stated): gnomAD exomes below 0.00001.
gnomAD v4.1: 1 of 1,613,956 alleles (0.000062%); highest among the groups gnomAD compares: Non-Finnish European, 0.000085%; no homozygotes.

Submission:

Institute of Human Genetics, University of Leipzig Medical Center
Classification: Uncertain significance for Hereditary spastic paraplegia 35. Last evaluated: 2022-01-07. Review status: criteria provided, single submitter. Criteria: ACMG Guidelines, 2015. Collection method: clinical testing. Allele origin: inherited. Inheritance: Autosomal recessive inheritance. Affected: yes.
Comment: Criteria applied: PM1,PM2_SUP,PM3_SUP